The following is an entry in ClinVar:

ClinVar aggregate classification (germline): Uncertain significance (1 of 4 stars; one submission).

Conditions:
Bethlem myopathy 1A. Also called: Bethlem Muscular Dystrophy; MYOPATHY, BENIGN CONGENITAL, WITH CONTRACTURES; Bethlem myopathy 1. Identifiers: Orphanet 610, MedGen CN029274, MONDO:0024530, OMIM 158810.

Allele frequency attached by ClinVar (database versions not stated): gnomAD below 0.00001 and 0.00001; gnomAD exomes 0.00001 and 0.00002; ExAC 0.00002.
gnomAD v4.1: 11 of 1,610,534 alleles (0.00068%); highest among the groups gnomAD compares: Middle Eastern, 0.016%; 1 homozygote.

Submission:

Labcorp Genetics (formerly Invitae), Labcorp
Classification: Uncertain significance for Bethlem myopathy 1A. Last evaluated: 2017-08-27. Review status: criteria provided, single submitter. Criteria: Invitae Variant Classification Sherloc (09022015). Collection method: clinical testing. Allele origin: germline.
Comment: Algorithms developed to predict the effect of missense changes on protein structure and function (SIFT, PolyPhen-2, Align-GVGD) all suggest that this variant is likely to be tolerated, but these predictions have not been confirmed by published functional studies and their clinical significance is uncertain. This variant has not been reported in the literature in individuals with COL6A2-related disease. This variant is present in population databases (rs764165623, ExAC 0.01%). This sequence change replaces aspartic acid with glutamic acid at codon 778 of the COL6A2 protein (p.Asp778Glu). The aspartic acid residue is weakly conserved and there is a small physicochemical difference between aspartic acid and glutamic acid. In summary, the available evidence is currently insufficient to determine the role of this variant in disease. Therefore, it has been classified as a Variant of Uncertain Significance.

NM_001849.4(COL6A2):c.2334C>A (p.Asp778Glu)

Gene: COL6A2 (collagen type VI alpha 2 chain; plus strand). Cytogenetic location: 21q22.3.
Variant type: single nucleotide variant.
Coding change: c.2334C>A on transcript NM_001849.4 (MANE Select); coding-DNA position 2334, C replaced by A.
Protein change: p.Asp778Glu; replaces aspartic acid 778 with glutamic acid.
Molecular consequence: missense variant.
Genome position (GRCh38, 1-based): chr21:46,126,149, C>A. VCF-style: chr21-46126149-C-A. GRCh37 (hg19) VCF-style: chr21-47546063-C-A.
Other names: c.2334C>A, p.Asp778Glu (NM_058174.3, NM_058175.3); short protein forms D778E.
Identifiers: ClinVar variation 476467 (VCV000476467.9), dbSNP rs764165623, ClinGen allele CA10072523.
Genomic context (GRCh38, chr21:46,126,149, plus strand): 5'-CATCGGGGACATGTTCCACGAGAAGCACGAGAGTGAAAACCTCTACTCCATCGCCTGCGA[C>A]AAGCCACAGCAGGTGCGCAACATGACGCTGTTCTCCGACCTGGTCGCTGAGAAGTTCATC-3'
Protein context (NP_001840.3, residues 768-788): ESENLYSIAC[Asp778Glu]KPQQVRNMTL